The following is an entry in ClinVar:

NM_016203.4(PRKAG2):c.361A>G (p.Met121Val)

Gene: PRKAG2 (protein kinase AMP-activated non-catalytic subunit gamma 2; minus strand). Cytogenetic location: 7q36.1.
Variant type: single nucleotide variant.
Coding change: c.361A>G on transcript NM_016203.4 (MANE Select); coding-DNA position 361, A replaced by G.
Protein change: p.Met121Val; replaces methionine 121 with valine.
Molecular consequence: missense variant.
Genome position (GRCh38, 1-based): chr7:151,781,257, T>C on the plus strand (A>G on the coding strand, the complement: PRKAG2 is on the minus strand). VCF-style: chr7-151781257-T-C. GRCh37 (hg19) VCF-style: chr7-151478343-T-C.
Other names: c.229A>G, p.Met77Val (NM_001040633.2); short protein forms M121V, M77V.
Identifiers: ClinVar variation 241095 (VCV000241095.9), dbSNP rs760511236, ClinGen allele CA056913.

ClinVar aggregate classification (germline): Uncertain significance. Review status: criteria provided, multiple submitters, no conflicts (2 of 4 stars). 3 submissions from 3 submitters: Uncertain significance (3). Last evaluated 2025-02-10.

Conditions:
Cardiovascular phenotype. Identifiers: MedGen CN230736.
Cardiomyopathy (CMYO). Also called: Cardiomyopathies. Identifiers: Orphanet 167848, MedGen C0878544, MONDO:0004994, HP:0001638. Inheritance: Various modes of inheritance.
Lethal congenital glycogen storage disease of heart. Also called: GLYCOGEN STORAGE DISEASE OF HEART; PHOSPHORYLASE KINASE DEFICIENCY OF HEART. Identifiers: Orphanet 439854, MedGen C1849813, MONDO:0009867, OMIM 261740.

Allele frequency attached by ClinVar (database versions not stated): gnomAD 0.00003.

Submissions (3):

Ambry Genetics
Classification: Uncertain significance for Cardiovascular phenotype. Last evaluated: 2025-02-10. Review status: criteria provided, single submitter. Criteria: Ambry Variant Classification Scheme 2023. Collection method: clinical testing. Allele origin: germline.
Comment: The p.M121V variant (also known as c.361A>G), located in coding exon 3 of the PRKAG2 gene, results from an A to G substitution at nucleotide position 361. The methionine at codon 121 is replaced by valine, an amino acid with highly similar properties. This amino acid position is conserved. In addition, this alteration is predicted to be tolerated by in silico analysis. Based on the available evidence, the clinical significance of this variant remains unclear.

Labcorp Genetics (formerly Invitae), Labcorp
Classification: Uncertain significance for Lethal congenital glycogen storage disease of heart. Last evaluated: 2024-09-06. Review status: criteria provided, single submitter. Criteria: Invitae Variant Classification Sherloc (09022015). Collection method: clinical testing. Allele origin: germline.
Comment: This sequence change replaces methionine, which is neutral and non-polar, with valine, which is neutral and non-polar, at codon 121 of the PRKAG2 protein (p.Met121Val). This variant is present in population databases (rs760511236, gnomAD 0.002%). This variant has not been reported in the literature in individuals affected with PRKAG2-related conditions. ClinVar contains an entry for this variant (Variation ID: 241095). Invitae Evidence Modeling of protein sequence and biophysical properties (such as structural, functional, and spatial information, amino acid conservation, physicochemical variation, residue mobility, and thermodynamic stability) indicates that this missense variant is not expected to disrupt PRKAG2 protein function with a negative predictive value of 95%. In summary, the available evidence is currently insufficient to determine the role of this variant in disease. Therefore, it has been classified as a Variant of Uncertain Significance.

Color Diagnostics, LLC DBA Color Health
Classification: Uncertain significance for Cardiomyopathy. Last evaluated: 2023-11-08. Review status: criteria provided, single submitter. Criteria: ACMG Guidelines, 2015. Collection method: clinical testing. Allele origin: germline.
Comment: This missense variant replaces methionine with valine at codon 121 of the PRKAG2 protein. Computational prediction suggests that this variant may not impact protein structure and function (internally defined REVEL score threshold <= 0.5, PMID: 27666373). To our knowledge, functional studies have not been reported for this variant. This variant has not been reported in individuals affected with PRKAG2-related disorders in the literature. This variant has been identified in 2/282652 chromosomes in the general population by the Genome Aggregation Database (gnomAD). The available evidence is insufficient to determine the role of this variant in disease conclusively. Therefore, this variant is classified as a Variant of Uncertain Significance.